The following is an entry in ClinVar:

NM_000243.3(MEFV):c.233A>G (p.Asn78Ser)

Gene: MEFV (MEFV innate immunity regulator, pyrin; minus strand). Cytogenetic location: 16p13.3.
Variant type: single nucleotide variant.
Coding change: c.233A>G on transcript NM_000243.3 (MANE Select); coding-DNA position 233, A replaced by G.
Protein change: p.Asn78Ser; replaces asparagine 78 with serine.
Molecular consequence: missense variant.
Genome position (GRCh38, 1-based): chr16:3,256,355, T>C on the plus strand (A>G on the coding strand, the complement: MEFV is on the minus strand). VCF-style: chr16-3256355-T-C. GRCh37 (hg19) VCF-style: chr16-3306355-T-C.
Other names: p.Asn78Ser; c.233A>G, p.Asn78Ser (NM_001198536.2); short protein forms N78S.
Identifiers: ClinVar variation 234472 (VCV000234472.12), dbSNP rs145015653, ClinGen allele CA7860501.
Genomic context (GRCh38, chr16:3,256,355, plus strand): 5'-GCCTGGGCCCGCTTACCCTGAATGGCTGCCCTGTGGAGCTCCTCGGCCAGCAGGCGCTGG[T>C]TGATGGCCCGCAGGACCTGCAGGGTGAGCTGCACGGCGTACTCTTCCCCATAGTAGGTGA-3'
Protein context (NP_000234.1, residues 68-88): QLTLQVLRAI[Asn78Ser]QRLLAEELHR

ClinVar aggregate classification (germline): Conflicting classifications of pathogenicity. Review status: criteria provided, conflicting classifications (1 of 4 stars). 7 submissions from 5 submitters: Uncertain significance (4); Likely benign (2). 1 of the submissions does not count toward it. Last evaluated 2023-08-10.

Conditions:
Familial Mediterranean fever, autosomal dominant. Also called: Dominant Familial Mediterranean Fever; FMF, AUTOSOMAL DOMINANT. Identifiers: Orphanet 342, MedGen C1851347, MONDO:0007601, OMIM 134610.
Acute febrile neutrophilic dermatosis (AFND). Also called: Sweet Syndrome; Gomm Button disease. Identifiers: Orphanet 3243, MedGen C0085077, MONDO:0011959, OMIM 608068.
Familial Mediterranean fever (FMF). Also called: POLYSEROSITIS, FAMILIAL PAROXYSMAL; POLYSEROSITIS, RECURRENT; Periodic peritonitis; Benign paroxysmal peritonitis. Identifiers: Orphanet 342, MedGen C0031069, MONDO:0018088, OMIM 249100. Disease mechanism: gain of function.

Allele frequency attached by ClinVar (database versions not stated): gnomAD exomes 0.00001; TOPMed below 0.00001; ExAC 0.00001; ESP Exome Variant Server 0.00008.
gnomAD v4.1: 14 of 1,613,794 alleles (0.00087%); highest among the groups gnomAD compares: East Asian, 0.0022%; no homozygotes.

Submissions (7):

Mayo Clinic Laboratories, Mayo Clinic
Classification: Uncertain significance. Last evaluated: 2023-08-10. Review status: criteria provided, single submitter. Criteria: ACMG Guidelines, 2015. Collection method: clinical testing. Allele origin: germline. Observed: 1 variant allele.

Genome-Nilou Lab
Classification: Uncertain significance for Familial Mediterranean fever. Last evaluated: 2023-02-08. Review status: criteria provided, single submitter. Criteria: ACMG Guidelines, 2015. Collection method: clinical testing. Allele origin: germline.

Genome-Nilou Lab
Classification: Likely benign for Familial Mediterranean fever, autosomal dominant. Last evaluated: 2023-02-08. Review status: criteria provided, single submitter. Criteria: ACMG Guidelines, 2015. Collection method: clinical testing. Allele origin: germline.

Genome-Nilou Lab
Classification: Likely benign for Acute febrile neutrophilic dermatosis. Last evaluated: 2023-02-08. Review status: criteria provided, single submitter. Criteria: ACMG Guidelines, 2015. Collection method: clinical testing. Allele origin: germline.

Illumina Laboratory Services, Illumina
Classification: Uncertain significance for Familial Mediterranean fever. Last evaluated: 2017-04-27. Review status: criteria provided, single submitter. Criteria: ICSL Variant Classification Criteria 13 December 2019. Collection method: clinical testing. Allele origin: germline.

GeneDx
Classification: Uncertain significance. Last evaluated: 2015-04-15. Review status: criteria provided, single submitter. Criteria: GeneDx Variant Classification (06012015). Collection method: clinical testing. Allele origin: germline. Affected: yes.
Comment: The N78S variant in the MEFV gene has not been published as a mutation, nor has it been reported as a benign polymorphism to our knowledge. The N78S variant was not observed with any significant frequency in approximately 6500 individuals of European and African American ancestry in the NHLBI Exome Sequencing Project, indicating it is not a common benign variant in these populations. The N78S variant is a conservative amino acid substitution, which occurs at a position within the DAPIN domain that is conserved across species. In silico analysis is inconsistent in its predictions as to whether or not the variant is damaging to the protein structure/function. A missense mutation in a nearby residue (E84K) has been reported in the Human Gene Mutation Database in association with familial Mediterranean fever (Stenson et al., 2014), supporting the functional importance of this region of the protein. We interpret N78S as a variant of unknown significance

Natera, Inc.
Classification: Uncertain significance for Familial Mediterranean fever. Last evaluated: 2019-10-28. Review status: no assertion criteria provided. Collection method: clinical testing. Allele origin: germline. Not counted in ClinVar's aggregate classification.